The following is an entry in ClinVar:

NM_016239.4(MYO15A):c.5212-50G>A

Gene: MYO15A (myosin XVA; plus strand). Cytogenetic location: 17p11.2.
Variant type: single nucleotide variant.
Coding change: c.5212-50G>A on transcript NM_016239.4 (MANE Select); 50 bases into the intron before coding-DNA position 5212, G replaced by A.
Molecular consequence: intron variant.
Genome position (GRCh38, 1-based): chr17:18,140,467, G>A. VCF-style: chr17-18140467-G-A. GRCh37 (hg19) VCF-style: chr17-18043781-G-A.
Identifiers: ClinVar variation 4293976 (VCV004293976.1).
Genomic context (GRCh38, chr17:18,140,467, plus strand): 5'-TTAGTCTTCAGATCCCCCTGGTCCGGAGATTTACTCCTGCTCTCTCTTCCTCCTCATTTC[G>A]GTCTCCCGGACCCTGCCTGTCTGTTTTCCCTGCCCCGACCCCTGCCCAGGTGGTGGCACA-3'

ClinVar aggregate classification (germline): Uncertain significance (1 of 4 stars; one submission).

Conditions:
Autosomal recessive nonsyndromic hearing loss 3. Also called: NEUROSENSORY NONSYNDROMIC RECESSIVE DEAFNESS 3. Identifiers: Orphanet 90636, MedGen C1838263, MONDO:0010860, OMIM 600316.

gnomAD v4.1: 26 of 1,611,724 alleles (0.0016%); highest among the groups gnomAD compares: Admixed American, 0.0017%; no homozygotes.

Submission:

3billion
Classification: Uncertain significance for Autosomal recessive nonsyndromic hearing loss 3. Last evaluated: 2024-11-25. Review status: criteria provided, single submitter. Criteria: ACMG Guidelines, 2015. Collection method: clinical testing. Allele origin: germline. Affected: yes.
Comment: The variant is observed at an extremely low frequency in the gnomAD v4.1.0 dataset (total allele frequency: 0.002%). Predicted Consequence/Location: Intron variant In silico tools predict the variant to alter splicing and produce an abnormal transcript [SpliceAI: 0.98 (>=0.2, moderate evidence for spliceogenicity)]. Therefore, this variant is classified as VUS according to the recommendation of ACMG/AMP guideline.